The following is an entry in ClinVar:

NM_001374736.1(DST):c.12196-16A>G

Gene: DST (dystonin; minus strand). Cytogenetic location: 6p12.1.
Variant type: single nucleotide variant.
Coding change: c.12196-16A>G on transcript NM_001374736.1 (MANE Select); 16 bases into the intron before coding-DNA position 12196, A replaced by G.
Molecular consequence: intron variant.
Genome position (GRCh38, 1-based): chr6:56,594,209, T>C on the plus strand (A>G on the coding strand, the complement: DST is on the minus strand). VCF-style: chr6-56594209-T-C. GRCh37 (hg19) VCF-style: chr6-56459007-T-C.
Other names: c.5839-16A>G (NM_001144769.5); c.12196-16A>G (NM_001374722.1); c.12223-16A>G (NM_001374734.1); c.5425-16A>G (NM_001144770.2); c.5305-16A>G (NM_001374730.1, NM_001386100.1, NM_183380.4); c.11563-16A>G (NM_001374729.1); c.4327-16A>G (NM_015548.5).
Identifiers: ClinVar variation 1921891 (VCV001921891.5), dbSNP rs1189173809, ClinGen allele CA450620465.

ClinVar aggregate classification (germline): Uncertain significance (1 of 4 stars; one submission).

Conditions:
Epidermolysis bullosa simplex 3, localized or generalized intermediate, with BP230 deficiency (EBS3). Also called: Epidermolysis bullosa simplex due to BP230 deficiency; Epidermolysis bullosa simplex, autosomal recessive 2. Identifiers: Orphanet 412181, MedGen C3809470, MONDO:0014180, OMIM 615425.
Hereditary sensory and autonomic neuropathy type 6. Also called: Neuropathy, hereditary sensory and autonomic, type VI; HSAN VI. Identifiers: Orphanet 314381, MedGen C3539003, MONDO:0013839, OMIM 614653.

Allele frequency attached by ClinVar (database versions not stated): TOPMed 0.00001.
gnomAD v4.1: 2 of 1,504,976 alleles (0.00013%); highest among the groups gnomAD compares: Admixed American, 0.0023%; no homozygotes.

Submission:

Labcorp Genetics (formerly Invitae), Labcorp
Classification: Uncertain significance for Epidermolysis bullosa simplex 3, localized or generalized intermediate, with BP230 deficiency; Hereditary sensory and autonomic neuropathy type 6. Last evaluated: 2023-01-03. Review status: criteria provided, single submitter. Criteria: Invitae Variant Classification Sherloc (09022015). Collection method: clinical testing. Allele origin: germline.
Comment: This variant is present in population databases (no rsID available, gnomAD 0.005%). In summary, the available evidence is currently insufficient to determine the role of this variant in disease. Therefore, it has been classified as a Variant of Uncertain Significance. Experimental studies and prediction algorithms are not available or were not evaluated, and the effect of this variant on mRNA splicing is currently unknown. This variant has not been reported in the literature in individuals affected with DST-related conditions. This sequence change falls in intron 28 of the DST gene. It does not directly change the encoded amino acid sequence of the DST protein. The DST gene has multiple clinically relevant transcripts. This variant occurs in alternate transcript NM_015548.4, and corresponds to NM_001723.5:c.*21308A>G in the primary transcript.